The following is an entry in ClinVar:

NM_002907.4(RECQL):c.1733T>C (p.Leu578Pro)

Genes: PYROXD1 (pyridine nucleotide-disulphide oxidoreductase domain 1; plus strand), RECQL (RecQ like helicase; minus strand). Cytogenetic location: 12p12.1.
Variant type: single nucleotide variant.
Coding change: c.1733T>C on transcript NM_002907.4 (MANE Select); coding-DNA position 1733, T replaced by C.
Protein change: p.Leu578Pro; replaces leucine 578 with proline.
Molecular consequence: missense variant. On other transcripts: 3 prime UTR variant (3).
Genome position (GRCh38, 1-based): chr12:21,471,033, A>G on the plus strand (T>C on the coding strand, the complement: RECQL is on the minus strand). VCF-style: chr12-21471033-A-G. GRCh37 (hg19) VCF-style: chr12-21623967-A-G.
Other names: c.1733T>C, p.Leu578Pro (NM_032941.3); c.*2279A>G (NM_001350912.2, NM_001350913.2, NM_024854.5); short protein forms L578P.
Identifiers: ClinVar variation 4152311 (VCV004152311.1).

ClinVar aggregate classification (germline): Uncertain significance (1 of 4 stars; one submission).

Submission:

Ambry Genetics
Classification: Uncertain significance. Last evaluated: 2025-07-09. Review status: criteria provided, single submitter. Criteria: Ambry Variant Classification Scheme 2023. Collection method: clinical testing. Allele origin: germline.
Comment: The p.L578P variant (also known as c.1733T>C), located in coding exon 13 of the RECQL gene, results from a T to C substitution at nucleotide position 1733. The leucine at codon 578 is replaced by proline, an amino acid with similar properties. This amino acid position is conserved. In addition, this alteration is predicted to be deleterious by in silico analysis. Based on the available evidence, the clinical significance of this variant remains unclear.